The following is an entry in ClinVar:

NM_000264.5(PTCH1):c.1679T>C (p.Phe560Ser)

Gene: PTCH1 (patched 1; minus strand). Cytogenetic location: 9q22.32.
Variant type: single nucleotide variant.
Coding change: c.1679T>C on transcript NM_000264.5 (MANE Select); coding-DNA position 1679, T replaced by C.
Protein change: p.Phe560Ser; replaces phenylalanine 560 with serine.
Molecular consequence: missense variant. On other transcripts: non-coding transcript variant (1).
Genome position (GRCh38, 1-based): chr9:95,476,083, A>G on the plus strand (T>C on the coding strand, the complement: PTCH1 is on the minus strand). VCF-style: chr9-95476083-A-G. GRCh37 (hg19) VCF-style: chr9-98238365-A-G.
Other names: c.1481T>C, p.Phe494Ser (NM_001083602.3); c.1676T>C, p.Phe559Ser (NM_001083603.3); c.1226T>C, p.Phe409Ser (NM_001083604.3, NM_001083605.3, NM_001083606.3 and 1 more transcripts); c.1523T>C, p.Phe508Ser (NM_001354918.2); short protein forms F494S, F560S, F409S, F508S, F559S.
Identifiers: ClinVar variation 580733 (VCV000580733.9), dbSNP rs1564046809, ClinGen allele CA374117972.

ClinVar aggregate classification (germline): Uncertain significance (1 of 4 stars; one submission).

Conditions:
Gorlin syndrome. Also called: Basal cell nevus syndrome; Nevoid Basal Cell Carcinoma Syndrome. Identifiers: Orphanet 377, MedGen C0004779, MONDO:0007187.

Submission:

Labcorp Genetics (formerly Invitae), Labcorp
Classification: Uncertain significance for Gorlin syndrome. Last evaluated: 2023-04-28. Review status: criteria provided, single submitter. Criteria: Invitae Variant Classification Sherloc (09022015). Collection method: clinical testing. Allele origin: germline.
Comment: ClinVar contains an entry for this variant (Variation ID: 580733). This variant has not been reported in the literature in individuals affected with PTCH1-related conditions. This variant is not present in population databases (gnomAD no frequency). This sequence change replaces phenylalanine, which is neutral and non-polar, with serine, which is neutral and polar, at codon 560 of the PTCH1 protein (p.Phe560Ser). Advanced modeling of protein sequence and biophysical properties (such as structural, functional, and spatial information, amino acid conservation, physicochemical variation, residue mobility, and thermodynamic stability) has been performed at Invitae for this missense variant, however the output from this modeling did not meet the statistical confidence thresholds required to predict the impact of this variant on PTCH1 protein function. In summary, the available evidence is currently insufficient to determine the role of this variant in disease. Therefore, it has been classified as a Variant of Uncertain Significance.